The following is an entry in ClinVar:

ClinVar aggregate classification (germline): Pathogenic (1 of 4 stars; one submission).

Conditions:
Polycystic kidney disease, adult type (PKD1). Also called: Polycystic Kidney Disease 1, Autosomal Dominant; POLYCYSTIC KIDNEY DISEASE, ADULT, TYPE I; Polycystic kidney disease 1; Polycystic kidney disease 1, severe; POLYCYSTIC KIDNEY DISEASE 1 WITH OR WITHOUT POLYCYSTIC LIVER DISEASE; Polycystic Kidney, Autosomal Dominant. Identifiers: MedGen C3149841, MONDO:0008263, OMIM 173900.

Submission:

MVZ Medizinische Genetik Mainz
Classification: Pathogenic for Polycystic kidney disease, adult type. Last evaluated: 2026-08-13. Review status: criteria provided, single submitter. Criteria: UK Practice Guidelines For Variant Classification V4 01 2020. Collection method: clinical testing. Allele origin: germline. Inheritance: Autosomal dominant inheritance. Affected: yes. Observed: 1 variant allele.
Comment: ACMG Criteria: PVS1,PM2_SUP,PP4

NM_001009944.3(PKD1):c.2319_2332del (p.Ala774fs)

Gene: PKD1 (polycystin 1, transient receptor potential channel interacting; minus strand). Cytogenetic location: 16p13.3.
Variant type: Deletion.
Coding change: c.2319_2332del on transcript NM_001009944.3 (MANE Select); coding-DNA positions 2319 to 2332, 14 bases deleted (AGCCACGGAACAGC).
Protein change: p.Ala774fs; shifts the reading frame from alanine 774.
Molecular consequence: frameshift variant.
Genome position (GRCh38, 1-based): chr16:2,114,691-2,114,704, GCTGTTCCGTGGCT deleted on the plus strand (AGCCACGGAACAGC on the coding strand, the reverse complement: PKD1 is on the minus strand); deleting any 14 consecutive bases within chr16:2,114,691-2,114,706 gives the same sequence; the c. name uses the placement nearest the transcript's 3' end. VCF-style (leftmost placement, unchanged base first): chr16-2114690-AGCTGTTCCGTGGCT-A. GRCh37 (hg19) VCF-style: chr16-2164691-AGCTGTTCCGTGGCT-A.
Other names: c.2319_2332del, p.Ala774fs (NM_000296.4); short protein forms A774fs.
Identifiers: ClinVar variation 5038260 (VCV005038260.1).